The following is an entry in ClinVar:

NM_000257.4(MYH7):c.5512A>G (p.Lys1838Glu)

Gene: MYH7 (myosin heavy chain 7; minus strand). Cytogenetic location: 14q11.2.
Variant type: single nucleotide variant.
Coding change: c.5512A>G on transcript NM_000257.4 (MANE Select); coding-DNA position 5512, A replaced by G.
Protein change: p.Lys1838Glu; replaces lysine 1838 with glutamic acid.
Molecular consequence: missense variant.
Genome position (GRCh38, 1-based): chr14:23,415,042, T>C on the plus strand (A>G on the coding strand, the complement: MYH7 is on the minus strand). VCF-style: chr14-23415042-T-C. GRCh37 (hg19) VCF-style: chr14-23884251-T-C.
Other names: c.5512A>G, p.Lys1838Glu (NM_001407004.1); short protein forms K1838E.
Identifiers: ClinVar variation 4751053 (VCV004751053.1).

ClinVar aggregate classification (germline): Uncertain significance (1 of 4 stars; one submission).

Conditions:
Hypertrophic cardiomyopathy. Also called: HYPERTROPHIC MYOCARDIOPATHY. Identifiers: Orphanet 217569, MedGen C0007194, MeSH D002312, MONDO:0005045, HP:0001639.

Submission:

Labcorp Genetics (formerly Invitae), Labcorp
Classification: Uncertain significance for Hypertrophic cardiomyopathy. Last evaluated: 2025-09-10. Review status: criteria provided, single submitter. Criteria: Invitae Variant Classification Sherloc (09022015). Collection method: clinical testing. Allele origin: germline.
Comment: This sequence change replaces lysine, which is basic and polar, with glutamic acid, which is acidic and polar, at codon 1838 of the MYH7 protein (p.Lys1838Glu). This variant is not present in population databases (gnomAD no frequency). This missense change has been observed in individual(s) with dilated cardiomyopathy (PMID: 29892087). Invitae Evidence Modeling of protein sequence and biophysical properties (such as structural, functional, and spatial information, amino acid conservation, physicochemical variation, residue mobility, and thermodynamic stability) indicates that this missense variant is expected to disrupt MYH7 protein function with a positive predictive value of 95%. In summary, the available evidence is currently insufficient to determine the role of this variant in disease. Therefore, it has been classified as a Variant of Uncertain Significance.

Literature cited by the submitters: PubMed 29892087.